The following is an entry in ClinVar:

ClinVar aggregate classification (germline): Uncertain significance (1 of 4 stars; one submission).

Conditions:
Combined immunodeficiency due to DOCK8 deficiency (HIES2). Also called: HIES autosomal recessive; HYPER-IgE RECURRENT INFECTION SYNDROME 2, AUTOSOMAL RECESSIVE; DOCK8 Deficiency; HYPER-IgE SYNDROME 2, AUTOSOMAL RECESSIVE, WITH RECURRENT INFECTIONS; Hyper-IgE recurrent infection syndrome, autosomal recessive. Identifiers: Orphanet 217390, MedGen C4722305, MONDO:0009478, OMIM 243700.

Submission:

Labcorp Genetics (formerly Invitae), Labcorp
Classification: Uncertain significance for Combined immunodeficiency due to DOCK8 deficiency. Last evaluated: 2023-07-26. Review status: criteria provided, single submitter. Criteria: Invitae Variant Classification Sherloc (09022015). Collection method: clinical testing. Allele origin: germline.
Comment: In summary, the available evidence is currently insufficient to determine the role of this variant in disease. Therefore, it has been classified as a Variant of Uncertain Significance. This sequence change replaces threonine, which is neutral and polar, with isoleucine, which is neutral and non-polar, at codon 87 of the DOCK8 protein (p.Thr87Ile). This variant is not present in population databases (gnomAD no frequency). This variant has not been reported in the literature in individuals affected with DOCK8-related conditions. Advanced modeling of protein sequence and biophysical properties (such as structural, functional, and spatial information, amino acid conservation, physicochemical variation, residue mobility, and thermodynamic stability) performed at Invitae indicates that this missense variant is not expected to disrupt DOCK8 protein function.

NM_203447.4(DOCK8):c.260C>T (p.Thr87Ile)

Genes: DOCK8 (dedicator of cytokinesis 8; plus strand), LOC126860552 (BRD4-independent group 4 enhancer GRCh37_chr9:285795-286994; plus strand). Cytogenetic location: 9p24.3.
Variant type: single nucleotide variant.
Coding change: c.260C>T on transcript NM_203447.4 (MANE Select); coding-DNA position 260, C replaced by T.
Protein change: p.Thr87Ile; replaces threonine 87 with isoleucine.
Molecular consequence: missense variant.
Genome position (GRCh38, 1-based): chr9:286,564, C>T. VCF-style: chr9-286564-C-T. GRCh37 (hg19) VCF-style: chr9-286564-C-T.
Other names: c.56C>T, p.Thr19Ile (NM_001190458.2, NM_001193536.2); short protein forms T19I, T87I.
Identifiers: ClinVar variation 2800635 (VCV002800635.3), dbSNP rs2537559430, ClinGen allele CA372756244.
Genomic context (GRCh38, chr9:286,564, plus strand): 5'-TTCTGATGACACACCTGAACAGCCTGGATGTGCAGCTTGCCCAGGAGCTCGGGGACTTCA[C>T]TGATGACGACTTGGACGTGGTGTTCACGCCAAAGGAATGTAGGACTTTGCAGCCCTCTTT-3'
Protein context (NP_982272.2, residues 77-97): VQLAQELGDF[Thr87Ile]DDDLDVVFTP